The following is an entry in ClinVar:

ClinVar aggregate classification (germline): Uncertain significance (1 of 4 stars; one submission).

Conditions:
Dilated cardiomyopathy 1O (CMD1O). Also called: CARDIOMYOPATHY, DILATED, WITH VENTRICULAR TACHYCARDIA. Identifiers: Orphanet 154, MedGen C1837839, MONDO:0012062, OMIM 608569.

Submission:

Labcorp Genetics (formerly Invitae), Labcorp
Classification: Uncertain significance for Dilated cardiomyopathy 1O. Last evaluated: 2023-05-10. Review status: criteria provided, single submitter. Criteria: Invitae Variant Classification Sherloc (09022015). Collection method: clinical testing. Allele origin: germline.
Comment: In summary, the available evidence is currently insufficient to determine the role of this variant in disease. Therefore, it has been classified as a Variant of Uncertain Significance. Variants that disrupt the consensus splice site are a relatively common cause of aberrant splicing (PMID: 17576681, 9536098). Algorithms developed to predict the effect of sequence changes on RNA splicing suggest that this variant may disrupt the consensus splice site. This variant has not been reported in the literature in individuals affected with ABCC9-related conditions. This variant is not present in population databases (gnomAD no frequency). This sequence change falls in intron 7 of the ABCC9 gene. It does not directly change the encoded amino acid sequence of the ABCC9 protein. It affects a nucleotide within the consensus splice site.

Literature cited by the submitters: PubMed 17576681; PubMed 9536098.

NM_020297.4(ABCC9):c.1164+2dup

Gene: ABCC9 (ATP binding cassette subfamily C member 9; minus strand). Cytogenetic location: 12p12.1.
Variant type: Duplication.
Coding change: c.1164+2dup on transcript NM_020297.4 (MANE Select); the canonical splice donor site of the intron after coding-DNA position 1164, one base duplicated (T; older notation c.1164+2dupT).
Molecular consequence: splice donor variant.
Genome position (GRCh38, 1-based): chr12:21,910,824, A duplicated on the plus strand (T on the coding strand, the reverse complement: ABCC9 is on the minus strand). VCF-style (leftmost placement, unchanged base first): chr12-21910823-T-TA. GRCh37 (hg19) VCF-style: chr12-22063757-T-TA.
Other names: c.300+2dup (NM_001377274.1); c.1164+2dup (NM_005691.4, NM_001377273.1).
Identifiers: ClinVar variation 2863021 (VCV002863021.3), dbSNP rs2541676277, ClinGen allele CA2739271899.